The following is an entry in ClinVar:

ClinVar aggregate classification (germline): Uncertain significance (1 of 4 stars; one submission).

Conditions:
Familial hemophagocytic lymphohistiocytosis 5. Also called: STXBP2-Related Familial Hemophagocytic Lymphohistiocytosis (STXBP2-fHLH). Identifiers: Orphanet 540, MedGen C2751293, MONDO:0013135, OMIM 613101.

Submission:

Baylor Genetics
Classification: Uncertain significance for Familial hemophagocytic lymphohistiocytosis 5. Last evaluated: 2020-08-03. Review status: criteria provided, single submitter. Criteria: ACMG Guidelines, 2015. Collection method: clinical testing. Allele origin: de novo. Affected: yes.
Comment: This variant was determined to be of uncertain significance according to ACMG Guidelines, 2015 [PMID:25741868].

NM_006949.4(STXBP2):c.1071C>T (p.Phe357=)

Gene: STXBP2 (syntaxin binding protein 2; plus strand). Cytogenetic location: 19p13.2.
Variant type: single nucleotide variant.
Coding change: c.1071C>T on transcript NM_006949.4 (MANE Select); coding-DNA position 1071, C replaced by T.
Protein change: p.Phe357=; no amino-acid change (phenylalanine 357 retained).
Molecular consequence: synonymous variant.
Genome position (GRCh38, 1-based): chr19:7,643,209, C>T. VCF-style: chr19-7643209-C-T. GRCh37 (hg19) VCF-style: chr19-7708095-C-T.
Other names: c.1062C>T, p.Phe354= (NM_001127396.3); c.1104C>T, p.Phe368= (NM_001272034.2).
Identifiers: ClinVar variation 1029120 (VCV001029120.1), dbSNP rs2031968313, ClinGen allele CA505237794.